The following is an entry in ClinVar:

ClinVar aggregate classification (germline): Uncertain significance. Review status: criteria provided, multiple submitters, no conflicts (2 of 4 stars). 3 submissions from 3 submitters: Uncertain significance (3). Last evaluated 2025-10-27.

Conditions:
Autosomal recessive ataxia, Beauce type. Also called: SYNE1-Related Autosomal Recessive Cerebellar Ataxia; ATAXIA, RECESSIVE, OF BEAUCE; SYNE1 Deficiency; Spinocerebellar ataxia, autosomal recessive 8. Identifiers: Orphanet 88644, MedGen C1853116, MONDO:0012549, OMIM 610743.
Emery-Dreifuss muscular dystrophy 4, autosomal dominant (EDMD4). Also called: EMERY-DREIFUSS MUSCULAR DYSTROPHY 4 WITH VARIABLE FEATURES. Identifiers: Orphanet 261, MedGen C2751807, MONDO:0013071, OMIM 612998.

Allele frequency attached by ClinVar (database versions not stated): gnomAD exomes below 0.00001; gnomAD 0.00001 and 0.00002; TOPMed 0.00001; ExAC 0.00002.
gnomAD v4.1: 14 of 1,613,802 alleles (0.00087%); highest among the groups gnomAD compares: Middle Eastern, 0.016%; no homozygotes.

Submissions (3):

Athena Diagnostics
Classification: Uncertain significance. Last evaluated: 2025-10-27. Review status: criteria provided, single submitter. Criteria: Athena Diagnostics Criteria. Collection method: clinical testing. Allele origin: unknown.
Comment: Available data are insufficient to determine the clinical significance of the variant at this time. The frequency of this variant in the general population is uninformative in assessment of its pathogenicity. Polyphen and MutationTaster predict this amino acid change may be benign.

CeGaT Center for Human Genetics Tuebingen
Classification: Uncertain significance. Last evaluated: 2023-06-01. Review status: criteria provided, single submitter. Criteria: CeGaT Center For Human Genetics Tuebingen Variant Classification Criteria Version 2. Collection method: clinical testing. Allele origin: germline. Affected: yes. Observed: 2 variant alleles.
Comment: SYNE1: PM2, BP4

Labcorp Genetics (formerly Invitae), Labcorp
Classification: Uncertain significance for Emery-Dreifuss muscular dystrophy 4, autosomal dominant; Spinocerebellar ataxia, autosomal recessive 8. Last evaluated: 2019-10-02. Review status: criteria provided, single submitter. Criteria: Invitae Variant Classification Sherloc (09022015). Collection method: clinical testing. Allele origin: germline.
Comment: This sequence change replaces glutamine with arginine at codon 5681 of the SYNE1 protein (p.Gln5681Arg). The glutamine residue is highly conserved and there is a small physicochemical difference between glutamine and arginine. This variant is present in population databases (rs201146113, ExAC 0.02%). This variant has not been reported in the literature in individuals with SYNE1-related conditions. Algorithms developed to predict the effect of missense changes on protein structure and function are either unavailable or do not agree on the potential impact of this missense change (SIFT: "Deleterious"; PolyPhen-2: "Benign"; Align-GVGD: "Class C0"). In summary, the available evidence is currently insufficient to determine the role of this variant in disease. Therefore, it has been classified as a Variant of Uncertain Significance.

NM_182961.4(SYNE1):c.17255A>G (p.Gln5752Arg)

Gene: SYNE1 (spectrin repeat containing nuclear envelope protein 1; minus strand). Cytogenetic location: 6q25.2.
Variant type: single nucleotide variant.
Coding change: c.17255A>G on transcript NM_182961.4 (MANE Select); coding-DNA position 17255, A replaced by G.
Protein change: p.Gln5752Arg; replaces glutamine 5752 with arginine.
Molecular consequence: missense variant.
Genome position (GRCh38, 1-based): chr6:152,308,580, T>C on the plus strand (A>G on the coding strand, the complement: SYNE1 is on the minus strand). VCF-style: chr6-152308580-T-C. GRCh37 (hg19) VCF-style: chr6-152629715-T-C.
Other names: c.17255A>G (NM_182961.2); c.17042A>G, p.Gln5681Arg (NM_033071.5); short protein forms Q5681R, Q5752R.
Identifiers: ClinVar variation 810016 (VCV000810016.42), dbSNP rs201146113, ClinGen allele CA4055283.